The following is an entry in ClinVar:

NM_002075.4(GNB3):c.620G>A (p.Ser207Asn)

Gene: GNB3 (G protein subunit beta 3; plus strand). Cytogenetic location: 12p13.31.
Variant type: single nucleotide variant.
Coding change: c.620G>A on transcript NM_002075.4 (MANE Select); coding-DNA position 620, G replaced by A.
Protein change: p.Ser207Asn; replaces serine 207 with asparagine.
Molecular consequence: missense variant.
Genome position (GRCh38, 1-based): chr12:6,843,899, G>A. VCF-style: chr12-6843899-G-A. GRCh37 (hg19) VCF-style: chr12-6953063-G-A.
Other names: c.617G>A, p.Ser206Asn (NM_001297571.2); short protein forms S206N, S207N.
Identifiers: ClinVar variation 4698284 (VCV004698284.1).

ClinVar aggregate classification (germline): Uncertain significance (1 of 4 stars; one submission).

gnomAD v4.1: 4 of 1,614,058 alleles (0.00025%); highest among the groups gnomAD compares: Admixed American, 0.0067%; no homozygotes.

Submission:

Labcorp Genetics (formerly Invitae), Labcorp
Classification: Uncertain significance. Last evaluated: 2025-10-26. Review status: criteria provided, single submitter. Criteria: Invitae Variant Classification Sherloc (09022015). Collection method: clinical testing. Allele origin: germline.
Comment: This sequence change replaces serine, which is neutral and polar, with asparagine, which is neutral and polar, at codon 207 of the GNB3 protein (p.Ser207Asn). This variant is present in population databases (rs200634640, gnomAD 0.01%). This variant has not been reported in the literature in individuals affected with GNB3-related conditions. Invitae Evidence Modeling of protein sequence and biophysical properties (such as structural, functional, and spatial information, amino acid conservation, physicochemical variation, residue mobility, and thermodynamic stability) indicates that this missense variant is not expected to disrupt GNB3 protein function with a negative predictive value of 80%. In summary, the available evidence is currently insufficient to determine the role of this variant in disease. Therefore, it has been classified as a Variant of Uncertain Significance.